The following is an entry in ClinVar:

NM_177550.5(SLC13A5):c.561T>C (p.Ile187=)

Gene: SLC13A5 (solute carrier family 13 member 5; minus strand). Cytogenetic location: 17p13.1.
Variant type: single nucleotide variant.
Coding change: c.561T>C on transcript NM_177550.5 (MANE Select); coding-DNA position 561, T replaced by C.
Protein change: p.Ile187=; no amino-acid change (isoleucine 187 retained).
Molecular consequence: synonymous variant.
Genome position (GRCh38, 1-based): chr17:6,703,125, A>G on the plus strand (T>C on the coding strand, the complement: SLC13A5 is on the minus strand). VCF-style: chr17-6703125-A-G. GRCh37 (hg19) VCF-style: chr17-6606444-A-G.
Other names: c.561T>C, p.Ile187= (NM_001143838.3); c.510T>C, p.Ile170= (NM_001284509.2); c.432T>C, p.Ile144= (NM_001284510.2).
Identifiers: ClinVar variation 2168151 (VCV002168151.5), dbSNP rs775666858, ClinGen allele CA8331671.

ClinVar aggregate classification (germline): Likely benign. Review status: criteria provided, multiple submitters, no conflicts (2 of 4 stars). 2 submissions from 2 submitters: Likely benign (2). Last evaluated 2025-07-10.

Conditions:
SLC13A5-related disorder. Also called: SLC13A5-related condition.
Developmental and epileptic encephalopathy, 25 (DEE25). Also called: Epileptic encephalopathy, early infantile, 25; Developmental and epileptic encephalopathy 25, with amelogenesis imperfecta; Epileptic encephalopathy, early infantile, 25, with amelogenesis imperfecta. Identifiers: Orphanet 442835, MedGen C4014621, MONDO:0014392, OMIM 615905.

Allele frequency attached by ClinVar (database versions not stated): ExAC 0.00001.
gnomAD v4.1: 14 of 1,613,996 alleles (0.00087%); highest among the groups gnomAD compares: South Asian, 0.0022%; no homozygotes.

Submissions (2):

PreventionGenetics, part of Exact Sciences
Classification: Likely benign for SLC13A5-related condition. Last evaluated: 2025-07-10. Review status: criteria provided, single submitter. Criteria: ACMG Guidelines, 2015. Collection method: clinical testing. Allele origin: germline.
Comment: This variant is classified as likely benign based on ACMG/AMP sequence variant interpretation guidelines (Richards et al. 2015 PMID: 25741868, with internal and published modifications).

Labcorp Genetics (formerly Invitae), Labcorp
Classification: Likely benign for Developmental and epileptic encephalopathy, 25. Last evaluated: 2022-06-23. Review status: criteria provided, single submitter. Criteria: Invitae Variant Classification Sherloc (09022015). Collection method: clinical testing. Allele origin: germline.